The following is an entry in ClinVar:

ClinVar aggregate classification (germline): Uncertain significance. Review status: criteria provided, multiple submitters, no conflicts (2 of 4 stars). 3 submissions from 3 submitters: Uncertain significance (3). Last evaluated 2024-03-19.

Conditions:
Inborn genetic diseases. Identifiers: MedGen C0950123, MeSH D030342.
Van Maldergem syndrome 2 (VMLDS2). Identifiers: Orphanet 314679, MedGen C3809875, MONDO:0014242, OMIM 615546.
Hennekam lymphangiectasia-lymphedema syndrome 2 (HKLLS2). Identifiers: Orphanet 2136, MedGen C4014939, MONDO:0014454, OMIM 616006.

Allele frequency attached by ClinVar (database versions not stated): ExAC 0.00003; TOPMed 0.00003; gnomAD exomes 0.00004 and 0.00015; gnomAD 0.00005; ESP Exome Variant Server 0.00008; 1000 Genomes Project 30x 0.00016; 1000 Genomes Project 0.00020.
gnomAD v4.1: 215 of 1,613,540 alleles (0.013%); highest among the groups gnomAD compares: East Asian, 0.067%; 1 homozygote.

Submissions (3):

Fulgent Genetics
Classification: Uncertain significance for Van Maldergem syndrome 2; Hennekam lymphangiectasia-lymphedema syndrome 2. Last evaluated: 2024-03-19. Review status: criteria provided, single submitter. Criteria: ACMG Guidelines, 2015. Collection method: clinical testing. Allele origin: germline.

Ambry Genetics
Classification: Uncertain significance for Inborn genetic diseases. Last evaluated: 2022-11-18. Review status: criteria provided, single submitter. Criteria: Ambry Variant Classification Scheme 2023. Collection method: clinical testing. Allele origin: germline.

Labcorp Genetics (formerly Invitae), Labcorp
Classification: Uncertain significance. Last evaluated: 2022-06-23. Review status: criteria provided, single submitter. Criteria: Invitae Variant Classification Sherloc (09022015). Collection method: clinical testing. Allele origin: germline.
Comment: This sequence change replaces arginine, which is basic and polar, with histidine, which is basic and polar, at codon 2840 of the FAT4 protein (p.Arg2840His). This variant is present in population databases (rs146180798, gnomAD 0.01%). This variant has not been reported in the literature in individuals affected with FAT4-related conditions. ClinVar contains an entry for this variant (Variation ID: 1056303). Advanced modeling of protein sequence and biophysical properties (such as structural, functional, and spatial information, amino acid conservation, physicochemical variation, residue mobility, and thermodynamic stability) performed at Invitae indicates that this missense variant is not expected to disrupt FAT4 protein function. In summary, the available evidence is currently insufficient to determine the role of this variant in disease. Therefore, it has been classified as a Variant of Uncertain Significance.

NM_001291303.3(FAT4):c.8525G>A (p.Arg2842His)

Gene: FAT4 (FAT atypical cadherin 4; plus strand). Cytogenetic location: 4q28.1.
Variant type: single nucleotide variant.
Coding change: c.8525G>A on transcript NM_001291303.3 (MANE Select); coding-DNA position 8525, G replaced by A.
Protein change: p.Arg2842His; replaces arginine 2842 with histidine.
Molecular consequence: missense variant.
Genome position (GRCh38, 1-based): chr4:125,449,535, G>A. VCF-style: chr4-125449535-G-A. GRCh37 (hg19) VCF-style: chr4-126370690-G-A.
Other names: c.8525G>A, p.Arg2842His (NM_001291285.3); c.8519G>A, p.Arg2840His (NM_024582.6); c.8519G>A (NM_024582.4, NM_024582.5); short protein forms R2840H, R2842H.
Identifiers: ClinVar variation 1056303 (VCV001056303.5), dbSNP rs146180798, ClinGen allele CA3073389.